The following is an entry in ClinVar:

ClinVar aggregate classification (germline): Uncertain significance (1 of 4 stars; one submission).

Conditions:
Combined immunodeficiency due to LRBA deficiency. Also called: Common variable immunodeficiency 8, with autoimmunity. Identifiers: Orphanet 445018, MedGen C3553512, MONDO:0013863, OMIM 614700.

Allele frequency attached by ClinVar (database versions not stated): TOPMed below 0.00001; gnomAD exomes 0.00001.
gnomAD v4.1: 17 of 1,613,754 alleles (0.0011%); highest among the groups gnomAD compares: Non-Finnish European, 0.0014%; no homozygotes.

Submission:

Labcorp Genetics (formerly Invitae), Labcorp
Classification: Uncertain significance for Combined immunodeficiency due to LRBA deficiency. Last evaluated: 2022-10-17. Review status: criteria provided, single submitter. Criteria: Invitae Variant Classification Sherloc (09022015). Collection method: clinical testing. Allele origin: germline.
Comment: In summary, the available evidence is currently insufficient to determine the role of this variant in disease. Therefore, it has been classified as a Variant of Uncertain Significance. Advanced modeling of protein sequence and biophysical properties (such as structural, functional, and spatial information, amino acid conservation, physicochemical variation, residue mobility, and thermodynamic stability) performed at Invitae indicates that this missense variant is expected to disrupt LRBA protein function. ClinVar contains an entry for this variant (Variation ID: 638892). This variant has not been reported in the literature in individuals affected with LRBA-related conditions. This variant is present in population databases (no rsID available, gnomAD 0.003%). This sequence change replaces histidine, which is basic and polar, with tyrosine, which is neutral and polar, at codon 268 of the LRBA protein (p.His268Tyr).

NM_001364905.1(LRBA):c.802C>T (p.His268Tyr)

Gene: LRBA (LPS responsive beige-like anchor protein; minus strand). Cytogenetic location: 4q31.3.
Variant type: single nucleotide variant.
Coding change: c.802C>T on transcript NM_001364905.1 (MANE Select); coding-DNA position 802, C replaced by T.
Protein change: p.His268Tyr; replaces histidine 268 with tyrosine.
Molecular consequence: missense variant.
Genome position (GRCh38, 1-based): chr4:150,916,493, G>A on the plus strand (C>T on the coding strand, the complement: LRBA is on the minus strand). VCF-style: chr4-150916493-G-A. GRCh37 (hg19) VCF-style: chr4-151837645-G-A.
Other names: c.802C>T, p.His268Tyr (NM_006726.5, NM_001199282.3, NM_001367550.1); short protein forms H268Y.
Identifiers: ClinVar variation 638892 (VCV000638892.8), dbSNP rs916401126, ClinGen allele CA107826050.